The following is an entry in ClinVar:

ClinVar aggregate classification (germline): Likely benign. Review status: criteria provided, multiple submitters, no conflicts (2 of 4 stars). 2 submissions from 2 submitters: Likely benign (2). Last evaluated 2023-06-08.

Conditions:
Ehlers-Danlos syndrome, type 4 (EDSVASC). Also called: Ehlers-Danlos syndrome vascular type; Ehlers Danlos syndrome, ecchymotic type; Ehlers Danlos syndrome, arterial type; Ehlers Danlos syndrome, Sack-Barabas type; Ehlers-Danlos Syndrome Type IV. Identifiers: Orphanet 286, MedGen C0268338, MONDO:0017314, OMIM 130050.

Allele frequency attached by ClinVar (database versions not stated): gnomAD exomes below 0.00001; gnomAD 0.00001.
gnomAD v4.1: 2 of 1,612,452 alleles (0.00012%); highest among the groups gnomAD compares: Non-Finnish European, 0.00017%; no homozygotes.

Submissions (2):

All of Us Research Program, National Institutes of Health
Classification: Likely benign for Ehlers-Danlos syndrome, type 4. Last evaluated: 2023-06-08. Review status: criteria provided, single submitter. Criteria: ACMG Guidelines, 2015. Collection method: clinical testing. Allele origin: germline. Inheritance: Autosomal dominant inheritance. Observed: 1 variant allele, 1 heterozygote.
Comment: This study involves interpretation of variants in research participants for the purpose of population health screening. Participant phenotype was not available at the time of variant classification. Additional details can be found in publication PMID: 35346344, PMCID: PMC8962531

Labcorp Genetics (formerly Invitae), Labcorp
Classification: Likely benign for Ehlers-Danlos syndrome, type 4. Last evaluated: 2021-06-07. Review status: criteria provided, single submitter. Criteria: Invitae Variant Classification Sherloc (09022015). Collection method: clinical testing. Allele origin: germline.

NM_000090.4(COL3A1):c.747T>C (p.Gly249=)

Gene: COL3A1 (collagen type III alpha 1 chain; plus strand). Cytogenetic location: 2q32.2.
Variant type: single nucleotide variant.
Coding change: c.747T>C on transcript NM_000090.4 (MANE Select); coding-DNA position 747, T replaced by C.
Protein change: p.Gly249=; no amino-acid change (glycine 249 retained).
Molecular consequence: synonymous variant.
Genome position (GRCh38, 1-based): chr2:188,990,309, T>C. VCF-style: chr2-188990309-T-C. GRCh37 (hg19) VCF-style: chr2-189855035-T-C.
Identifiers: ClinVar variation 1566392 (VCV001566392.9), dbSNP rs1559054631, ClinGen allele CA430309079.